The following is an entry in ClinVar:

ClinVar aggregate classification (germline): Uncertain significance. Review status: criteria provided, multiple submitters, no conflicts (2 of 4 stars). 3 submissions from 3 submitters: Uncertain significance (3). Last evaluated 2023-10-02.

Conditions:
Hypercholesterolemia, autosomal dominant, 3 (FHCL3). Also called: Familial Hypercholesterolemia, Autosomal Dominant, 3; PCSK9-Related Familial Hypercholesterolemia, Autosomal Dominant; Familial hypercholesterolemia 3. Identifiers: MedGen C1863551, MONDO:0011369, OMIM 603776.
Cardiovascular phenotype. Identifiers: MedGen CN230736.

gnomAD v4.1: 3 of 1,551,676 alleles (0.00019%); highest among the groups gnomAD compares: Non-Finnish European, 0.00026%; no homozygotes.

Submissions (3):

All of Us Research Program, National Institutes of Health
Classification: Uncertain significance for Hypercholesterolemia, autosomal dominant, 3. Last evaluated: 2023-10-02. Review status: criteria provided, single submitter. Criteria: ACMG Guidelines, 2015. Collection method: clinical testing. Allele origin: germline. Inheritance: Autosomal dominant inheritance. Observed: 2 variant alleles, 2 heterozygotes.
Comment: This missense variant replaces arginine with leucine at codon 549 of the PCSK9 protein. Computational prediction suggests that this variant may not impact protein structure and function (internally defined REVEL score threshold <= 0.5, PMID: 27666373). To our knowledge, functional studies have not been reported for this variant. This variant has not been reported in individuals affected with PCSK9-related disorders in the literature. This variant has not been identified in the general population by the Genome Aggregation Database (gnomAD). The available evidence is insufficient to determine the role of this variant in disease conclusively. Therefore, this variant is classified as a Variant of Uncertain Significance.

This study involves interpretation of variants in research participants for the purpose of population health screening. Participant phenotype was not available at the time of variant classification. Additional details can be found in publication PMID: 35346344, PMCID: PMC8962531

Labcorp Genetics (formerly Invitae), Labcorp
Classification: Uncertain significance for Hypercholesterolemia, autosomal dominant, 3. Last evaluated: 2023-08-25. Review status: criteria provided, single submitter. Criteria: Invitae Variant Classification Sherloc (09022015). Collection method: clinical testing. Allele origin: germline.
Comment: This variant is not present in population databases (gnomAD no frequency). In summary, the available evidence is currently insufficient to determine the role of this variant in disease. Therefore, it has been classified as a Variant of Uncertain Significance. Advanced modeling of protein sequence and biophysical properties (such as structural, functional, and spatial information, amino acid conservation, physicochemical variation, residue mobility, and thermodynamic stability) performed at Invitae indicates that this missense variant is not expected to disrupt PCSK9 protein function. ClinVar contains an entry for this variant (Variation ID: 1777160). This variant has not been reported in the literature in individuals affected with PCSK9-related conditions. This sequence change replaces arginine, which is basic and polar, with leucine, which is neutral and non-polar, at codon 549 of the PCSK9 protein (p.Arg549Leu).

Ambry Genetics
Classification: Uncertain significance for Cardiovascular phenotype. Last evaluated: 2022-08-22. Review status: criteria provided, single submitter. Criteria: Ambry Variant Classification Scheme 2023. Collection method: clinical testing. Allele origin: germline.
Comment: The p.R549L variant (also known as c.1646G>T), located in coding exon 10 of the PCSK9 gene, results from a G to T substitution at nucleotide position 1646. The arginine at codon 549 is replaced by leucine, an amino acid with dissimilar properties. This amino acid position is conserved. In addition, this alteration is predicted to be tolerated by in silico analysis. Since supporting evidence is limited at this time, the clinical significance of this alteration remains unclear.

NM_174936.4(PCSK9):c.1646G>T (p.Arg549Leu)

Gene: PCSK9 (proprotein convertase subtilisin/kexin type 9; plus strand). Cytogenetic location: 1p32.3.
Variant type: single nucleotide variant.
Coding change: c.1646G>T on transcript NM_174936.4 (MANE Select); coding-DNA position 1646, G replaced by T.
Protein change: p.Arg549Leu; replaces arginine 549 with leucine.
Molecular consequence: missense variant.
Genome position (GRCh38, 1-based): chr1:55,059,628, G>T. VCF-style: chr1-55059628-G-T. GRCh37 (hg19) VCF-style: chr1-55525301-G-T.
Other names: c.1769G>T, p.Arg590Leu (NM_001407240.1); c.1688G>T, p.Arg563Leu (NM_001407241.1); c.1649G>T, p.Arg550Leu (NM_001407242.1); c.1589G>T, p.Arg530Leu (NM_001407243.1); c.1472G>T, p.Arg491Leu (NM_001407244.1); c.1454G>T, p.Arg485Leu (NM_001407245.1); c.1271G>T, p.Arg424Leu (NM_001407246.1); short protein forms R530L, R550L, R590L, R424L, R485L, R491L, R549L, R563L.
Identifiers: ClinVar variation 1777160 (VCV001777160.6), dbSNP rs111400659, ClinGen allele CA340480051.